The following is an entry in ClinVar:

ClinVar aggregate classification (germline): Pathogenic/Likely pathogenic. Review status: criteria provided, multiple submitters, no conflicts (2 of 4 stars). 7 submissions from 7 submitters: Pathogenic (4); Likely pathogenic (3). Last evaluated 2026-02-13.

Conditions:
Congenital myasthenic syndrome 4A. Also called: Myasthenic syndrome, congenital, 4a, slow-channel; CONGENITAL MYASTHENIC SYNDROME TYPE Ia1; MYASTHENIC SYNDROME, CONGENITAL, 4A, SLOW-CHANNEL, AUTOSOMAL RECESSIVE. Identifiers: Orphanet 590, MedGen C4225413, MONDO:0011600, OMIM 605809.
Congenital myasthenic syndrome 4B. Also called: Myasthenic syndrome, congenital, 4b, fast-channel. Identifiers: Orphanet 590, MedGen C4225369, MONDO:0014586, OMIM 616324.
Congenital myasthenic syndrome 4C (CMS4C). Also called: Myasthenic syndrome, congenital, associated with acetylcholine receptor deficiency. Identifiers: Orphanet 590, MedGen C1837091, MONDO:0012157, OMIM 608931.
CHRNE-related disorder. Also called: CHRNE-related condition.
Congenital myasthenic syndrome (CMS). Also called: Congenital Myasthenic Syndromes. Identifiers: Orphanet 590, MedGen C0751882, MeSH D020294, MONDO:0018940.

Submissions (7):

Myriad Genetics, Inc.
Classification: Pathogenic for Congenital myasthenic syndrome. Last evaluated: 2026-02-13. Review status: criteria provided, single submitter. Criteria: Myriad Autosomal Dominant, Autosomal Recessive and X-Linked Classification Criteria (2023). Collection method: clinical testing. Allele origin: unknown.
Comment: NM_000080.3(CHRNE):c.794delC(P265Rfs*35) is a frameshift variant classified as pathogenic in the context of congenital myasthenic syndrome, CHRNE-related. P265Rfs*35 has been observed in a case with relevant disease (PMID: Ohno_2003_(Article)). Relevant functional assessments of this variant are not available in the literature. P265Rfs*35 has been observed in referenced population frequency databases. In summary, NM_000080.3(CHRNE):c.794delC(P265Rfs*35) is a frameshift variant in a gene where loss of function is a known mechanism of disease, is predicted to disrupt protein function, and has been observed more frequently in cases with the relevant disease than in healthy populations. Please note: this variant was assessed in the context of healthy population screening.

Natera, Inc.
Classification: Likely pathogenic for Congenital myasthenic syndrome. Last evaluated: 2025-10-09. Review status: criteria provided, single submitter. Criteria: Natera Variant Classification Schema (03/2026). Collection method: clinical testing. Allele origin: germline.
Comment: The c.794delC variant in CHRNE is a frameshift variant predicted to shift the reading frame beginning at codon 265 and leads to a stop codon 35 codons downstream. This variant is expected to result in nonsense mediated decay, truncation, or a dysfunctional protein product. This variant is rare in the general population with a frequency below the threshold expected for the associated phenotype(s). Given the available evidence, this variant is classified as Likely Pathogenic.

Labcorp Genetics (formerly Invitae), Labcorp
Classification: Pathogenic for Congenital myasthenic syndrome 4A. Last evaluated: 2025-02-22. Review status: criteria provided, single submitter. Criteria: Invitae Variant Classification Sherloc (09022015). Collection method: clinical testing. Allele origin: germline.
Comment: This sequence change creates a premature translational stop signal (p.Pro265Argfs*35) in the CHRNE gene. It is expected to result in an absent or disrupted protein product. Loss-of-function variants in CHRNE are known to be pathogenic (PMID: 22678886). This variant is present in population databases (rs756675414, gnomAD 0.003%). This variant has not been reported in the literature in individuals affected with CHRNE-related conditions. ClinVar contains an entry for this variant (Variation ID: 567393). For these reasons, this variant has been classified as Pathogenic.

Fulgent Genetics
Classification: Likely pathogenic for Congenital myasthenic syndrome 4A; Congenital myasthenic syndrome 4C; Congenital myasthenic syndrome 4B. Last evaluated: 2024-03-08. Review status: criteria provided, single submitter. Criteria: ACMG Guidelines, 2015. Collection method: clinical testing. Allele origin: germline.

Baylor Genetics
Classification: Pathogenic for Congenital myasthenic syndrome 4A. Last evaluated: 2024-01-26. Review status: criteria provided, single submitter. Criteria: ACMG Guidelines, 2015. Collection method: clinical testing. Allele origin: unknown.

Blueprint Genetics
Classification: Likely pathogenic for CHRNE-related disorders. Last evaluated: 2021-12-02. Review status: criteria provided, single submitter. Criteria: ACMG Guidelines, 2015. Collection method: clinical testing. Allele origin: germline. Affected: yes. Observed: 4 variant alleles.

Revvity Omics, Revvity
Classification: Pathogenic. Last evaluated: 2019-10-09. Review status: criteria provided, single submitter. Criteria: ACMG Guidelines, 2015. Collection method: clinical testing. Allele origin: germline.

Literature cited by the submitters: PubMed 22678886 (cited by Labcorp Genetics (formerly Invitae), Labcorp).

NM_000080.4(CHRNE):c.794del (p.Pro265fs)

Genes: C17orf107 (chromosome 17 open reading frame 107; plus strand), CHRNE (cholinergic receptor nicotinic epsilon subunit; minus strand). Cytogenetic location: 17p13.2.
Variant type: Deletion.
Coding change: c.794del on transcript NM_000080.4 (MANE Select); coding-DNA position 794, one base deleted (C; older notation c.794delC).
Protein change: p.Pro265fs; shifts the reading frame from proline 265.
Molecular consequence: frameshift variant. On other transcripts: 3 prime UTR variant (1).
Genome position (GRCh38, 1-based): chr17:4,900,998, G deleted on the plus strand (C on the coding strand, the reverse complement: CHRNE is on the minus strand); the first of 2 consecutive G bases (chr17:4,900,998-4,900,999); deleting either gives the same sequence. VCF-style (leftmost placement, unchanged base first): chr17-4900997-CG-C. GRCh37 (hg19) VCF-style: chr17-4804292-CG-C.
Other names: c.794del (NM_000080.3); c.*466del (NM_001145536.2); short protein forms P265fs.
Identifiers: ClinVar variation 567393 (VCV000567393.18), dbSNP rs756675414, ClinGen allele CA8314263.